The following is an entry in ClinVar:

NM_014587.5(SOX8):c.147G>T (p.Val49=)

Gene: SOX8 (SRY-box transcription factor 8; plus strand). Cytogenetic location: 16p13.3.
Variant type: single nucleotide variant.
Coding change: c.147G>T on transcript NM_014587.5 (MANE Select); coding-DNA position 147, G replaced by T.
Protein change: p.Val49=; no amino-acid change (valine 49 retained).
Molecular consequence: synonymous variant.
Genome position (GRCh38, 1-based): chr16:982,069, G>T. VCF-style: chr16-982069-G-T. GRCh37 (hg19) VCF-style: chr16-1032069-G-T.
Identifiers: ClinVar variation 2645868 (VCV002645868.24), dbSNP rs754927273, ClinGen allele CA7798102.

ClinVar aggregate classification (germline): Likely benign (1 of 4 stars; one submission).

Allele frequency attached by ClinVar (database versions not stated): 1000 Genomes Project 30x 0.00031; gnomAD exomes 0.00039; gnomAD 0.00043; TOPMed 0.00049.

Submission:

CeGaT Center for Human Genetics Tuebingen
Classification: Likely benign. Last evaluated: 2022-08-01. Review status: criteria provided, single submitter. Criteria: CeGaT Center For Human Genetics Tuebingen Variant Classification Criteria Version 2. Collection method: clinical testing. Allele origin: germline. Affected: yes. Observed: 1 variant allele.
Comment: SOX8: BP4, BP7